The following is an entry in ClinVar:

NM_000268.4(NF2):c.979G>A (p.Glu327Lys)

Gene: NF2 (NF2, moesin-ezrin-radixin like (MERLIN) tumor suppressor; plus strand). Cytogenetic location: 22q12.2.
Variant type: single nucleotide variant.
Coding change: c.979G>A on transcript NM_000268.4 (MANE Select); coding-DNA position 979, G replaced by A.
Protein change: p.Glu327Lys; replaces glutamic acid 327 with lysine.
Molecular consequence: missense variant. On other transcripts: non-coding transcript variant (1), intron variant (1).
Genome position (GRCh38, 1-based): chr22:29,668,426, G>A. VCF-style: chr22-29668426-G-A. GRCh37 (hg19) VCF-style: chr22-30064415-G-A.
Other names: c.856G>A, p.Glu286Lys (NM_001407058.1, NM_001407054.1, NM_181829.3); c.865G>A, p.Glu289Lys (NM_001407053.1, NM_001407056.1); c.844G>A, p.Glu282Lys (NM_001407057.1, NM_001407059.1); c.853G>A, p.Glu285Lys (NM_001407055.1, NM_181828.3); c.979G>A, p.Glu327Lys (NM_001407060.1, NM_001407066.1, NM_016418.5 and 2 more transcripts); c.721G>A, p.Glu241Lys (NM_001407062.1); c.730G>A, p.Glu244Lys (NM_001407063.1, NM_001407064.1, NM_181830.3 and 1 more transcripts); c.445G>A, p.Glu149Lys (NM_001407065.1); and 2 more; short protein forms E149K, E244K, E289K, E241K, E285K, E286K, E250K, E282K.
Identifiers: ClinVar variation 1768232 (VCV001768232.2), dbSNP rs2518646448, ClinGen allele CA411146070.

ClinVar aggregate classification (germline): Uncertain significance (1 of 4 stars; one submission).

Conditions:
Hereditary cancer-predisposing syndrome. Also called: Hereditary Cancer Syndrome; Hereditary neoplastic syndrome; Neoplastic Syndromes, Hereditary; Tumor predisposition. Identifiers: Orphanet 140162, MedGen C0027672, MeSH D009386, MONDO:0015356.

Submission:

Ambry Genetics
Classification: Uncertain significance for Hereditary cancer-predisposing syndrome. Last evaluated: 2021-12-02. Review status: criteria provided, single submitter. Criteria: Ambry Variant Classification Scheme 2023. Collection method: clinical testing. Allele origin: germline.
Comment: The p.E327K variant (also known as c.979G>A), located in coding exon 10 of the NF2 gene, results from a G to A substitution at nucleotide position 979. The glutamic acid at codon 327 is replaced by lysine, an amino acid with similar properties. This amino acid position is highly conserved in available vertebrate species. In addition, this alteration is predicted to be deleterious by in silico analysis. Since supporting evidence is limited at this time, the clinical significance of this alteration remains unclear.